The following is an entry in ClinVar:

NM_001379500.1(COL18A1):c.2207G>C (p.Gly736Ala)

Gene: COL18A1 (collagen type XVIII alpha 1 chain; plus strand). Cytogenetic location: 21q22.3.
Variant type: single nucleotide variant.
Coding change: c.2207G>C on transcript NM_001379500.1 (MANE Select); coding-DNA position 2207, G replaced by C.
Protein change: p.Gly736Ala; replaces glycine 736 with alanine.
Molecular consequence: missense variant.
Genome position (GRCh38, 1-based): chr21:45,492,706, G>C. VCF-style: chr21-45492706-G-C. GRCh37 (hg19) VCF-style: chr21-46912620-G-C.
Other names: c.2747G>C, p.Gly916Ala (NM_030582.4); c.3452G>C, p.Gly1151Ala (NM_130444.3); short protein forms G916A, G1151A, G736A.
Identifiers: ClinVar variation 4998824 (VCV004998824.1).
Genomic context (GRCh38, chr21:45,492,706, plus strand): 5'-GTGCGTGATGACCCCAGCTGACGCCGTCCCTCTTTCCCCAGGGCCGGCCGGGTTTCGCAG[G>C]CTTTCCCGTGAGTAACCTGGTGCCAGAGCTGCATGCTGCCCGGCTGGGGAGGGGTCTCCA-3'
Protein context (NP_001366429.1, residues 726-746): PGPEGRPGFA[Gly736Ala]FPGPAGPKGN

ClinVar aggregate classification (germline): Uncertain significance (1 of 4 stars; one submission).

Conditions:
COL18A1-related disorder. Also called: COL18A1-related condition; COL18A1-related disorders.

gnomAD v4.1: 1 of 1,608,788 alleles (0.000062%); highest among the groups gnomAD compares: Non-Finnish European, 0.000085%; no homozygotes.

Submission:

PreventionGenetics, part of Exact Sciences
Classification: Uncertain significance for COL18A1-related condition. Last evaluated: 2025-05-28. Review status: criteria provided, single submitter. Criteria: ACMG Guidelines, 2015. Collection method: clinical testing. Allele origin: germline.
Comment: The COL18A1 c.2747G>C variant is predicted to result in the amino acid substitution p.Gly916Ala. To our knowledge, this variant has not been reported in the literature or in a large population database (gnomAD), indicating this variant is rare. At this time, the clinical significance of this variant is uncertain due to the absence of conclusive functional and genetic evidence.